The following is an entry in ClinVar:

ClinVar aggregate classification (germline): Pathogenic/Likely pathogenic. Review status: criteria provided, multiple submitters, no conflicts (2 of 4 stars). 3 submissions from 3 submitters: Pathogenic (1); Likely pathogenic (1). 1 of the submissions does not count toward it. Last evaluated 2021-12-03.

Conditions:
Spastic paraplegia. Identifiers: MedGen C0037772, HP:0001258.
Charlevoix-Saguenay spastic ataxia (SACS). Also called: SPASTIC ATAXIA 6, AUTOSOMAL RECESSIVE; Spastic ataxia of Charlevoix-Saguenay; AUTOSOMAL RECESSIVE SPASTIC ATAXIA OF CHARLEVOIX-SAGUENAY. Identifiers: Orphanet 98, MedGen C1849140, MONDO:0010041, OMIM 270550.

Submissions (3):

Fulgent Genetics
Classification: Likely pathogenic for Charlevoix-Saguenay spastic ataxia. Last evaluated: 2021-12-03. Review status: criteria provided, single submitter. Criteria: ACMG Guidelines, 2015. Collection method: clinical testing. Allele origin: unknown.

Labcorp Genetics (formerly Invitae), Labcorp
Classification: Pathogenic for Spastic paraplegia. Last evaluated: 2021-09-20. Review status: criteria provided, single submitter. Criteria: Invitae Variant Classification Sherloc (09022015). Collection method: clinical testing. Allele origin: germline.
Comment: This sequence change creates a premature translational stop signal (p.Phe4073Cysfs*8) in the SACS gene. While this is not anticipated to result in nonsense mediated decay, it is expected to disrupt the last 507 amino acid(s) of the SACS protein. This variant is not present in population databases (ExAC no frequency). This variant has not been reported in the literature in individuals affected with SACS-related conditions. ClinVar contains an entry for this variant (Variation ID: 557285). This variant disrupts a region of the SACS protein in which other variant(s) (p.Tyr4538*) have been determined to be pathogenic (Invitae). This suggests that this is a clinically significant region of the protein, and that variants that disrupt it are likely to be disease-causing. For these reasons, this variant has been classified as Pathogenic.

Counsyl
Classification: Likely pathogenic for Charlevoix-Saguenay spastic ataxia. Last evaluated: 2018-03-14. Review status: no assertion criteria provided. Collection method: clinical testing. Allele origin: unknown. Not counted in ClinVar's aggregate classification.

NM_014363.6(SACS):c.12218_12219del (p.Phe4073fs)

Gene: SACS (sacsin molecular chaperone; minus strand). Cytogenetic location: 13q12.12.
Variant type: Deletion.
Coding change: c.12218_12219del on transcript NM_014363.6 (MANE Select); coding-DNA positions 12218 to 12219, 2 bases deleted (TT; older notation c.12218_12219delTT).
Protein change: p.Phe4073fs; shifts the reading frame from phenylalanine 4073.
Molecular consequence: frameshift variant.
Genome position (GRCh38, 1-based): chr13:23,331,657-23,331,658, AA deleted on the plus strand (TT on the coding strand, the reverse complement: SACS is on the minus strand); deleting any 2 consecutive bases within chr13:23,331,657-23,331,660 gives the same sequence; the c. name uses the placement nearest the transcript's 3' end. VCF-style (leftmost placement, unchanged base first): chr13-23331656-CAA-C. GRCh37 (hg19) VCF-style: chr13-23905795-CAA-C.
Other names: c.11777_11778del, p.Phe3926fs (NM_001278055.2); short protein forms F3926fs, F4073fs.
Identifiers: ClinVar variation 557285 (VCV000557285.8), dbSNP rs1555249648, ClinGen allele CA658823526.